The following is an entry in ClinVar:

NC_000005.9:g.(?_53751620)_(53752072_?)dup

Gene: HSPB3 (heat shock protein family B (small) member 3; plus strand). Cytogenetic location: 5q11.2.
Variant type: Duplication.
Identifiers: ClinVar variation 2425565 (VCV002425565.5).

ClinVar aggregate classification (germline): Uncertain significance (1 of 4 stars; one submission).

Conditions:
Neuronopathy, distal hereditary motor, type 2C. Also called: NEUROPATHY, DISTAL HEREDITARY MOTOR, AUTOSOMAL DOMINANT 4; NEURONOPATHY, DISTAL HEREDITARY MOTOR, HARDING TYPE IIC; NEUROPATHY, DISTAL HEREDITARY MOTOR, HARDING TYPE IIC; HMN IIC. Identifiers: Orphanet 139525, MedGen C3150619, MONDO:0013243, OMIM 613376.

Submission:

Labcorp Genetics (formerly Invitae), Labcorp
Classification: Uncertain significance for Neuronopathy, distal hereditary motor, type 2C. Last evaluated: 2023-11-08. Review status: criteria provided, single submitter. Criteria: Invitae Variant Classification Sherloc (09022015). Collection method: clinical testing. Allele origin: germline.
Comment: A copy number gain of the genomic region encompassing the full coding sequence of the HSPB3 gene has been identified. The boundaries of this event are unknown as they extend beyond the assayed region for this gene and therefore may encompass additional genes. As the precise location of this event is unknown, it may be in tandem or it may be located elsewhere in the genome. Isolated whole-gene copy number gains of HSPB3 have not been reported in the literature. However, larger copy number events that include this gene have been reported (PMID: 28771244). In summary, the available evidence is currently insufficient to determine the role of this variant in disease. Therefore, it has been classified as a Variant of Uncertain Significance.

Literature cited by the submitters: PubMed 28771244.